The following is an entry in ClinVar:

NM_000051.4(ATM):c.2639-384A>G

Gene: ATM (ATM serine/threonine kinase; plus strand). Cytogenetic location: 11q22.3.
Variant type: single nucleotide variant.
Coding change: c.2639-384A>G on transcript NM_000051.4 (MANE Select); 384 bases into the intron before coding-DNA position 2639, A replaced by G.
Molecular consequence: intron variant.
Genome position (GRCh38, 1-based): chr11:108,268,026, A>G. VCF-style: chr11-108268026-A-G. GRCh37 (hg19) VCF-style: chr11-108138753-A-G.
Other names: c.2639-384A>G (NM_001351834.2).
Identifiers: ClinVar variation 429070 (VCV000429070.24), dbSNP rs1131691154, ClinGen allele CA601698081.

ClinVar aggregate classification (germline): Conflicting classifications of pathogenicity. Review status: criteria provided, conflicting classifications (1 of 4 stars). 10 submissions from 10 submitters: Pathogenic (5); Likely pathogenic (4); Uncertain significance (1). Last evaluated 2026-01-06.

Conditions:
Familial cancer of breast. Also called: BREAST CANCER, FAMILIAL; hereditary breast carcinoma; Hereditary breast cancer. Identifiers: Orphanet 227535, MedGen C0346153, MONDO:0016419, OMIM 114480. Disease mechanism: loss of function.
Hereditary cancer-predisposing syndrome. Also called: Tumor predisposition; Hereditary Cancer Syndrome; Hereditary neoplastic syndrome; Neoplastic Syndromes, Hereditary. Identifiers: Orphanet 140162, MedGen C0027672, MeSH D009386, MONDO:0015356.
Ataxia-telangiectasia syndrome (AT). Also called: Cerebello-oculocutaneous telangiectasia; Immunodeficiency with ataxia telangiectasia; AT, COMPLEMENTATION GROUP C; LOUIS-BAR SYNDROME; Ataxia telangiectasia (A-T); Ataxia-telangiectasia. Identifiers: Orphanet 100, MedGen C0004135, MONDO:0008840, OMIM 208900.

Allele frequency attached by ClinVar (database versions not stated): TOPMed 0.00002; gnomAD 0.00003.
gnomAD v4.1: 6 of 152,234 alleles (0.0039%); highest among the groups gnomAD compares: African/African-American, 0.012%; no homozygotes.

Submissions (10):

Labcorp Genetics (formerly Invitae), Labcorp
Classification: Pathogenic for Ataxia-telangiectasia syndrome. Last evaluated: 2026-01-06. Review status: criteria provided, single submitter. Criteria: Invitae Variant Classification Sherloc (09022015). Collection method: clinical testing. Allele origin: germline.
Comment: This sequence change falls in intron 17 of the ATM gene. It does not directly change the encoded amino acid sequence of the ATM protein. RNA analysis indicates that this variant induces altered splicing and may result in an absent or altered protein product. This variant is present in population databases (no rsID available, gnomAD 0.01%). This variant has been observed in individual(s) with ataxia-telangiectasia (PMID: 22006793, 31050087, 34453918). It has also been observed to segregate with disease in related individuals. ClinVar contains an entry for this variant (Variation ID: 429070). Studies have shown that this variant results in in retention of 58 bases from intron 17 (also known as intron 18), and produces a non-functional protein and/or introduces a premature termination codon (PMID: 22006793, 31050087; internal data). For these reasons, this variant has been classified as Pathogenic.

Natera, Inc.
Classification: Pathogenic for Ataxia-telangiectasia. Last evaluated: 2025-12-01. Review status: criteria provided, single submitter. Criteria: Natera Variant Classification Schema (03/2026). Collection method: clinical testing. Allele origin: germline.
Comment: The c.2639-384A>G variant in ATM is an intronic variant located outside the canonical splice sites. This variant is rare in the general population with a frequency below the threshold expected for the associated phenotype(s). This variant has been observed in one or more individuals affected with the associated recessive disease, as either homozygous or compound heterozygous with a second variant (PMID: 22006793, 34453918). Additionally, this variant has been observed to segregate in affected family members (PMID: 22006793, 34453918). Functional studies show that this variant may disrupt protein function (PMID: 22006793, 31050087). Given the available evidence, this variant is classified as Pathogenic.

Ambry Genetics
Classification: Pathogenic for Hereditary cancer-predisposing syndrome. Last evaluated: 2025-11-25. Review status: criteria provided, single submitter. Criteria: Ambry Variant Classification Scheme 2023. Collection method: clinical testing. Allele origin: germline.
Comment: The c.2639-384A>G pathogenic intronic mutation results from an A to G substitution 384 nucleotides upstream from coding exon 17 in the ATM gene. This alteration has been detected in conjunction with pathogenic ATM variants in individuals affected with ataxia-telangiectasia (Nakamura K et al. Hum. Mutat. 2012 Jan; 33(1):198-208, Fi&eacute;vet A et al. Hum. Mutat., 2019 10;40:1713-1730, Gu C et al. Clin Chim Acta, 2021 Dec;523:6-9). In silico splice site analysis predicts that this alteration will result in the creation or strengthening of a novel splice donor site. RNA studies have shown that this alteration creates a cryptic splice donor site and leads to the insertion of a 58-bp pseudoexon into the transcript, which is anticipated to result in nonsense mediated RNA decay (Nakamura K et al. Hum. Mutat. 2012 Jan; 33(1):198-208, Fi&eacute;vet A et al. Hum. Mutat., 2019 10;40:1713-1730, Ambry internal data). Based on the supporting evidence, this alteration is interpreted as a disease-causing mutation.

Baylor Genetics
Classification: Likely pathogenic for Familial cancer of breast. Last evaluated: 2024-02-15. Review status: criteria provided, single submitter. Criteria: ACMG Guidelines, 2015. Collection method: clinical testing. Allele origin: unknown.

Myriad Genetics, Inc.
Classification: Pathogenic for Familial cancer of breast. Last evaluated: 2024-01-18. Review status: criteria provided, single submitter. Criteria: Myriad Autosomal Dominant, Autosomal Recessive and X-Linked Classification Criteria (2023). Collection method: clinical testing. Allele origin: unknown.
Comment: This variant is considered pathogenic. This variant has been reported in multiple individuals with clinical features of gene-specific disease [PMID: 22006793, 31050087, 34453918]. mRNA analysis has demonstrated abnormal mRNA splicing occurs [PMID: 22006793, 31050087, 34453918].

Color Diagnostics, LLC DBA Color Health
Classification: Pathogenic for Hereditary cancer-predisposing syndrome. Last evaluated: 2024-01-04. Review status: criteria provided, single submitter. Criteria: ACMG Guidelines, 2015. Collection method: clinical testing. Allele origin: germline.
Comment: This variant causes an A>G nucleotide substitution at the -384 position of intron 17 of the ATM gene. Functional RNA studies have shown that this variant causes retention of 58 base pairs from intron 17, creating a frameshift and premature translation stop signal (PMID: 22006793, 31050087). This variant has been reported in the compound heterozygous state with known pathogenic ATM variants in individuals affected with autosomal recessive ataxia-telangiectasia, indicating that this variant contributes to disease (PMID: 22006793, 31050087, 34453918). This variant has also been identified in 1/31396 chromosomes in the general population by the Genome Aggregation Database (gnomAD). Loss of ATM function is a known mechanism of disease. Based on the available evidence, this variant is classified as Pathogenic.

Sema4
Classification: Likely pathogenic for Hereditary cancer-predisposing syndrome. Last evaluated: 2022-03-03. Review status: criteria provided, single submitter. Criteria: Sema4 Curation Guidelines. Collection method: curation. Allele origin: germline.
Comment: The ATM c.2639-384A>G variant has been reported as compound heterozygous in at least 3 individuals with Ataxia-telangiectasia (PMID: 22006793, 31050087, 34453918). RNA functional studies have shown that this variant creates a cryptic splice donor site, resulting in the insertion of a 58 base pair pseudoexon in the transcript and creating a frameshift and premature translation stop signal (PMID: 22006793, 31050087). This variant is predicted to cause loss of normal protein function either through protein truncation or nonsense-mediated mRNA decay. Loss of function variants in ATM are known to be pathogenic (PMID: 31050087). It was observed in 1/31396 chromosomes across all populations in the Genome Aggregation Database (PMID: 32461654). This variant has been reported in ClinVar (Variation ID 429070). Based on the current evidence available, this variant is interpreted as likely pathogenic.

Women's Health and Genetics/Laboratory Corporation of America, LabCorp
Classification: Likely pathogenic for Ataxia-telangiectasia syndrome. Last evaluated: 2021-01-23. Review status: criteria provided, single submitter. Criteria: LabCorp Variant Classification Summary - May 2015. Collection method: clinical testing. Allele origin: germline.
Comment: Variant summary: ATM c.2639-384A>G alters a non-conserved nucleotide located deep within intron 17 of the ATM gene. Several computational tools predict a significant impact on normal splicing: Three predict the variant creates a cryptic intronic 5' splice donor site. In alignment with the computational predictions, at least two publications report experimental evidence that this variant affects mRNA splicing by activating a cryptic intronic 3' splice acceptor site in addition to the cryptic intronic 5' splice donor site, resulting in the insertion of a 58 bp pseudoexon exon in the transcript (Nakamura_2012, Fievet_2018). This corresponds to a transcript named r.2638_2639ins[2639442_2639385] as determined by RNA sequencing and is predicted to cause a truncation of the encoded protein or absence of the protein due to nonsense mediated decay, p.(Gly880Glufs*15) (Fievet_2018), which are commonly known mechanisms for disease. The variant allele was found at a frequency of 3.2e-05 in 31396 control chromosomes (gnomAD). c.2639-384A>G has been reported in the literature in compound heterozygosity with another large genomic deletion in two individuals affected with Ataxia-Telangiectasia from a Japanese family (Nakamura_2012). These data indicate that the variant may be associated with disease. Three clinical diagnostic laboratories have submitted clinical-significance assessments for this variant to ClinVar after 2014 without evidence for independent evaluation. All laboratories classified the variant as likely pathogenic. One submitter cites overlapping evidence utilized in the context of this evaluation further supported by internal data (not presented) corroborating the reported splicing impact. Based on the evidence outlined above, the variant was classified as likely pathogenic.

Blueprint Genetics
Classification: Uncertain significance. Last evaluated: 2019-09-19. Review status: criteria provided, single submitter. Criteria: ACMG Guidelines, 2015. Collection method: clinical testing. Allele origin: germline.

Department of Pathology and Laboratory Medicine, Sinai Health System
Classification: Likely pathogenic for Familial cancer of breast; Ataxia-telangiectasia syndrome. Review status: criteria provided, single submitter. Criteria: ACMG Guidelines, 2015. Collection method: clinical testing. Allele origin: germline.

Literature cited by the submitters: PubMed 22006793 (cited by 7 submitters); PubMed 31050087 (cited by 7 submitters); PubMed 34453918 (cited by 6 submitters); PubMed 24506781 (cited by Ambry Genetics and Women's Health and Genetics/Laboratory Corporation of America, LabCorp).